The following is an entry in ClinVar:

ClinVar aggregate classification (germline): Pathogenic. Review status: criteria provided, multiple submitters, no conflicts (2 of 4 stars). 4 submissions from 4 submitters: Pathogenic (4). Last evaluated 2025-11-25.

Conditions:
Cardiomyopathy (CMYO). Also called: Cardiomyopathies. Identifiers: Orphanet 167848, MedGen C0878544, MONDO:0004994, HP:0001638. Inheritance: Various modes of inheritance.
Arrhythmogenic right ventricular dysplasia 9 (ARVD9). Also called: Arrhythmogenic Right Ventricular Dysplasia/Cardiomyopathy 9; ARRHYTHMOGENIC RIGHT VENTRICULAR DYSPLASIA, FAMILIAL, 9. Identifiers: MedGen C1836906, MONDO:0012180, OMIM 609040.

Submissions (4):

Labcorp Genetics (formerly Invitae), Labcorp
Classification: Pathogenic for Arrhythmogenic right ventricular dysplasia 9. Last evaluated: 2025-11-25. Review status: criteria provided, single submitter. Criteria: Invitae Variant Classification Sherloc (09022015). Collection method: clinical testing. Allele origin: germline.
Comment: This sequence change creates a premature translational stop signal (p.Tyr807*) in the PKP2 gene. It is expected to result in an absent or disrupted protein product. Loss-of-function variants in PKP2 are known to be pathogenic (PMID: 15489853, 17041889, 23911551). This variant is not present in population databases (gnomAD no frequency). This premature translational stop signal has been observed in individual(s) with arrhythmogenic right ventricular cardiomyopathy (PMID: 16567567). ClinVar contains an entry for this variant (Variation ID: 3338804). For these reasons, this variant has been classified as Pathogenic.

Color Diagnostics, LLC DBA Color Health
Classification: Pathogenic for Cardiomyopathy. Last evaluated: 2024-03-25. Review status: criteria provided, single submitter. Criteria: ACMG Guidelines, 2015. Collection method: clinical testing. Allele origin: germline.
Comment: This variant changes 1 nucleotide in exon 12/14 of the PKP2 gene, creating a premature translation stop signal. This variant is expected to result in an absent or non-functional protein product. This variant has been reported in multiple individuals affected with arrhythmogenic right ventricular cardiomyopathy (PMID: 16567567, 18167567, 21606396, 25820315, 35536239) and in an individual in a UK Biobank cohort (PMID: 35536239). This variant has not been identified in the general population by the Genome Aggregation Database (gnomAD). Loss of PKP2 function is a known mechanism of disease. Based on the available evidence, this variant is classified as Pathogenic.

GeneDx
Classification: Pathogenic. Last evaluated: 2023-08-28. Review status: criteria provided, single submitter. Criteria: GeneDx Variant Classification Process June 2021. Collection method: clinical testing. Allele origin: germline. Affected: yes.
Comment: Nonsense variant predicted to result in protein truncation or nonsense mediated decay in a gene for which loss of function is a known mechanism of disease; Not observed at significant frequency in large population cohorts (gnomAD); This variant is associated with the following publications: (PMID: 25525159, 16567567, 31386562, 31402444, 32808564)

Juno Genomics, Hangzhou Juno Genomics, Inc
Classification: Pathogenic for Arrhythmogenic right ventricular dysplasia 9. Review status: criteria provided, single submitter. Criteria: ACMG Guidelines, 2015. Collection method: clinical testing. Allele origin: germline. Affected: yes.
Comment: Null variant in a gene where loss of function (LOF) is a known mechanism of disease.;Absent from controls (or at extremely low frequency if recessive) in Genome Aggregation Database, Exome Sequencing Project, 1000 Genomes Project, or Exome Aggregation Consortium.;The prevalence of the variant in affected individuals is significantly increased compared to the prevalence in controls.;Patient's phenotype or family history is highly specific for a disease with a single genetic etiology.

Literature cited by the submitters: PubMed 15489853 (cited by Labcorp Genetics (formerly Invitae), Labcorp); PubMed 17041889 (cited by Labcorp Genetics (formerly Invitae), Labcorp); PubMed 23911551 (cited by Labcorp Genetics (formerly Invitae), Labcorp); PubMed 16567567 (cited by Labcorp Genetics (formerly Invitae), Labcorp and Color Diagnostics, LLC DBA Color Health); PubMed 18167567 (cited by Color Diagnostics, LLC DBA Color Health); PubMed 21606396 (cited by Color Diagnostics, LLC DBA Color Health); PubMed 25820315 (cited by Color Diagnostics, LLC DBA Color Health); PubMed 35536239 (cited by Color Diagnostics, LLC DBA Color Health).

NM_001005242.3(PKP2):c.2289C>A (p.Tyr763Ter)

Gene: PKP2 (plakophilin 2; minus strand). Cytogenetic location: 12p11.21.
Variant type: single nucleotide variant.
Coding change: c.2289C>A on transcript NM_001005242.3 (MANE Select); coding-DNA position 2289, C replaced by A.
Protein change: p.Tyr763Ter; replaces tyrosine 763 with a stop codon.
Molecular consequence: nonsense. On other transcripts: intron variant (2).
Genome position (GRCh38, 1-based): chr12:32,796,177, G>T on the plus strand (C>A on the coding strand, the complement: PKP2 is on the minus strand). VCF-style: chr12-32796177-G-T. GRCh37 (hg19) VCF-style: chr12-32949111-G-T.
Other names: c.2124C>A, p.Tyr708Ter (NM_001407156.1); c.1962C>A, p.Tyr654Ter (NM_001407158.1, NM_001407159.1); c.2421C>A, p.Tyr807Ter (NM_004572.4); c.2168-3446C>A (NM_001407155.1); c.1841-3446C>A (NM_001407160.1); short protein forms Y654*, Y708*, Y763*, Y807*.
Identifiers: ClinVar variation 3338804 (VCV003338804.5).